The following is an entry in ClinVar:

NM_000071.3(CBS):c.745G>A (p.Asp249Asn)

Gene: CBS (cystathionine beta-synthase; minus strand). Cytogenetic location: 21q22.3.
Variant type: single nucleotide variant.
Coding change: c.745G>A on transcript NM_000071.3 (MANE Select); coding-DNA position 745, G replaced by A.
Protein change: p.Asp249Asn; replaces aspartic acid 249 with asparagine.
Molecular consequence: missense variant.
Genome position (GRCh38, 1-based): chr21:43,063,983, C>T on the plus strand (G>A on the coding strand, the complement: CBS is on the minus strand). VCF-style: chr21-43063983-C-T. GRCh37 (hg19) VCF-style: chr21-44484093-C-T.
Other names: c.745G>A, p.Asp249Asn (NM_001178008.3, NM_001178009.3, NM_001320298.2); c.430G>A, p.Asp144Asn (NM_001321072.1); short protein forms D249N, D144N.
Identifiers: ClinVar variation 570830 (VCV000570830.9), dbSNP rs767397847, ClinGen allele CA321094365.

ClinVar aggregate classification (germline): Uncertain significance. Review status: criteria provided, multiple submitters, no conflicts (2 of 4 stars). 3 submissions from 3 submitters: Uncertain significance (2). 1 of the submissions does not count toward it. Last evaluated 2024-05-05.

Conditions:
Classic homocystinuria. Also called: Homocystinuria due to Cystathionine Beta-Synthase Deficiency; Homocystinuria due to CBS deficiency; Cystathionine beta-synthase deficiency; CBS deficiency; HOMOCYSTINURIA WITH OR WITHOUT RESPONSE TO PYRIDOXINE. Identifiers: Orphanet 394, MedGen C0751202, MONDO:0009352, OMIM 236200.
HYPERHOMOCYSTEINEMIA, THROMBOTIC, CBS-RELATED. Identifiers: MedGen C3150344, OMIM 236200.
Familial thoracic aortic aneurysm and aortic dissection (TAAD). Also called: Thoracic aortic aneurysms and dissections. Identifiers: Orphanet 91387, MedGen C4707243, MONDO:0019625.

Allele frequency attached by ClinVar (database versions not stated): gnomAD exomes below 0.00001.

Submissions (3):

Ambry Genetics
Classification: Uncertain significance for Familial thoracic aortic aneurysm and aortic dissection. Last evaluated: 2024-05-05. Review status: criteria provided, single submitter. Criteria: Ambry Variant Classification Scheme 2023. Collection method: clinical testing. Allele origin: germline.
Comment: The p.D249N variant (also known as c.745G>A), located in coding exon 7 of the CBS gene, results from a G to A substitution at nucleotide position 745. The aspartic acid at codon 249 is replaced by asparagine, an amino acid with highly similar properties. This amino acid position is conserved. In addition, the in silico prediction for this alteration is inconclusive. Based on the available evidence, the clinical significance of this variant remains unclear.

Labcorp Genetics (formerly Invitae), Labcorp
Classification: Uncertain significance for HYPERHOMOCYSTEINEMIA, THROMBOTIC, CBS-RELATED. Last evaluated: 2021-12-20. Review status: criteria provided, single submitter. Criteria: Invitae Variant Classification Sherloc (09022015). Collection method: clinical testing. Allele origin: germline.
Comment: This sequence change replaces aspartic acid, which is acidic and polar, with asparagine, which is neutral and polar, at codon 249 of the CBS protein (p.Asp249Asn). The frequency data for this variant in the population databases is considered unreliable, as metrics indicate poor data quality at this position in the gnomAD database. This variant has not been reported in the literature in individuals affected with CBS-related conditions. ClinVar contains an entry for this variant (Variation ID: 570830). Algorithms developed to predict the effect of missense changes on protein structure and function are either unavailable or do not agree on the potential impact of this missense change (SIFT: "Tolerated"; PolyPhen-2: "Probably Damaging"; Align-GVGD: "Class C0"). In summary, the available evidence is currently insufficient to determine the role of this variant in disease. Therefore, it has been classified as a Variant of Uncertain Significance.

Natera, Inc.
Classification: Uncertain significance for Homocystinuria due to cystathionine beta-synthase deficiency. Last evaluated: 2020-11-02. Review status: no assertion criteria provided. Collection method: clinical testing. Allele origin: germline. Not counted in ClinVar's aggregate classification.